The following is an entry in ClinVar:

ClinVar aggregate classification (germline): Uncertain significance. Review status: criteria provided, multiple submitters, no conflicts (2 of 4 stars). 2 submissions from 2 submitters: Uncertain significance (2). Last evaluated 2025-10-11.

Conditions:
Hereditary cancer-predisposing syndrome. Also called: Tumor predisposition; Hereditary neoplastic syndrome; Neoplastic Syndromes, Hereditary; Hereditary Cancer Syndrome. Identifiers: Orphanet 140162, MedGen C0027672, MeSH D009386, MONDO:0015356.

Submissions (2):

Ambry Genetics
Classification: Uncertain significance for Hereditary cancer-predisposing syndrome. Last evaluated: 2025-10-11. Review status: criteria provided, single submitter. Criteria: Ambry Variant Classification Scheme 2023. Collection method: clinical testing. Allele origin: germline.
Comment: The p.R421S variant (also known as c.1263G>C), located in coding exon 9 of the FH gene, results from a G to C substitution at nucleotide position 1263. The arginine at codon 421 is replaced by serine, an amino acid with dissimilar properties. This amino acid position is conserved. In addition, this alteration is predicted to be deleterious by in silico analysis. Based on the available evidence, the clinical significance of this variant remains unclear.

Labcorp Genetics (formerly Invitae), Labcorp
Classification: Uncertain significance. Last evaluated: 2023-08-08. Review status: criteria provided, single submitter. Criteria: Invitae Variant Classification Sherloc (09022015). Collection method: clinical testing. Allele origin: germline.
Comment: In summary, the available evidence is currently insufficient to determine the role of this variant in disease. Therefore, it has been classified as a Variant of Uncertain Significance. Advanced modeling of protein sequence and biophysical properties (such as structural, functional, and spatial information, amino acid conservation, physicochemical variation, residue mobility, and thermodynamic stability) performed at Invitae indicates that this missense variant is expected to disrupt FH protein function. ClinVar contains an entry for this variant (Variation ID: 1493490). This variant has not been reported in the literature in individuals affected with FH-related conditions. This variant is not present in population databases (gnomAD no frequency). This sequence change replaces arginine, which is basic and polar, with serine, which is neutral and polar, at codon 421 of the FH protein (p.Arg421Ser).

NM_000143.4(FH):c.1263G>C (p.Arg421Ser)

Gene: FH (fumarate hydratase; minus strand). Cytogenetic location: 1q43.
Variant type: single nucleotide variant.
Coding change: c.1263G>C on transcript NM_000143.4 (MANE Select); coding-DNA position 1263, G replaced by C.
Protein change: p.Arg421Ser; replaces arginine 421 with serine.
Molecular consequence: missense variant.
Genome position (GRCh38, 1-based): chr1:241,500,564, C>G on the plus strand (G>C on the coding strand, the complement: FH is on the minus strand). VCF-style: chr1-241500564-C-G. GRCh37 (hg19) VCF-style: chr1-241663864-C-G.
Other names: c.1263G>C (NM_000143.3); short protein forms R421S.
Identifiers: ClinVar variation 1493490 (VCV001493490.9), dbSNP rs777409218, ClinGen allele CA40327546.